The following is an entry in ClinVar:

NM_001031732.4(YTHDC1):c.690GGA[3] (p.Glu249del)

Gene: YTHDC1 (YTH N6-methyladenosine RNA binding protein C1; minus strand). Cytogenetic location: 4q13.2.
Variant type: Microsatellite.
Coding change: c.690GGA[3] on transcript NM_001031732.4 (MANE Select); three copies in a row of the 3-base unit GGA starting at c.690; the reference has four copies in a row; one copy, 3 bases deleted.
Protein change: p.Glu249del; deletes glutamic acid 249.
Genome position (GRCh38, 1-based): chr4:68,337,209-68,337,211, TCC deleted on the plus strand (GGA on the coding strand, the reverse complement: YTHDC1 is on the minus strand); deleting any 3 consecutive bases within chr4:68,337,209-68,337,222 gives the same sequence; the position shown is the placement nearest the transcript's 3' end. VCF-style (leftmost placement, unchanged base first): chr4-68337208-TTCC-T. GRCh37 (hg19) VCF-style: chr4-69202926-TTCC-T.
Other names: c.690GGA[3], p.Glu249del (NM_001330698.2, NM_133370.4); short protein forms E249del.
Identifiers: ClinVar variation 3053679 (VCV003053679.2), dbSNP rs566379464, ClinGen allele CA2941378.

ClinVar aggregate classification (germline): Likely benign (0 of 4 stars; one submission).

Conditions:
YTHDC1-related disorder. Also called: YTHDC1-related condition.

Submission:

PreventionGenetics, part of Exact Sciences
Classification: Likely benign for YTHDC1-related condition. Last evaluated: 2023-04-25. Review status: no assertion criteria provided. Collection method: clinical testing. Allele origin: germline.
Comment: This variant is classified as likely benign based on ACMG/AMP sequence variant interpretation guidelines (Richards et al. 2015 PMID: 25741868, with internal and published modifications).